The following is an entry in ClinVar:

NM_021870.3(FGG):c.685G>A (p.Asp229Asn)

Gene: FGG (fibrinogen gamma chain; minus strand). Cytogenetic location: 4q32.1.
Variant type: single nucleotide variant.
Coding change: c.685G>A on transcript NM_021870.3 (MANE Select); coding-DNA position 685, G replaced by A.
Protein change: p.Asp229Asn; replaces aspartic acid 229 with asparagine.
Molecular consequence: missense variant.
Genome position (GRCh38, 1-based): chr4:154,608,632, C>T on the plus strand (G>A on the coding strand, the complement: FGG is on the minus strand). VCF-style: chr4-154608632-C-T. GRCh37 (hg19) VCF-style: chr4-155529784-C-T.
Other names: c.685G>A, p.Asp229Asn (NM_000509.6); short protein forms D229N.
Identifiers: ClinVar variation 1049171 (VCV001049171.1), dbSNP rs754328933, ClinGen allele CA3115564.

ClinVar aggregate classification (germline): Uncertain significance (0 of 4 stars; one submission).

Allele frequency attached by ClinVar (database versions not stated): TOPMed below 0.00001; gnomAD exomes 0.00002 and 0.00008; ExAC 0.00007.

Submission:

Department of Pathology and Laboratory Medicine, Sinai Health System
Classification: Uncertain significance. Review status: no assertion criteria provided. Collection method: clinical testing. Allele origin: unknown. Affected: yes. Study: The Canadian Open Genetics Repository (COGR).
Comment: The FGG p.Asp229Asn variant was not identified in the literature nor was it identified in the ClinVar, Cosmic, MutDB or LOVD 3.0 databases. The variant was identified in dbSNP (ID: rs754328933) and in control databases in 19 of 249696 chromosomes at a frequency of 0.000076 (Genome Aggregation Database Feb 27, 2017). The variant was observed in the following populations: South Asian in 17 of 30608 chromosomes (freq: 0.000555) and other in 2 of 6102 chromosomes (freq: 0.000328), but not observed in the African, Latino, Ashkenazi Jewish, East Asian, European (Finnish) and European (non-Finnish) populations. The p.Asp229 residue is highly conserved however computational analyses (PolyPhen-2, SIFT, AlignGVGD, BLOSUM, MutationTaster) provide inconsistent predictions regarding the impact to the protein; this information is not very predictive of pathogenicity. In summary, based on the above information the clinical significance of this variant cannot be determined with certainty at this time. This variant is classified as a variant of uncertain significance.